The following is an entry in ClinVar:

NM_000059.4(BRCA2):c.774_777del (p.Arg259fs)

Gene: BRCA2 (BRCA2 DNA repair associated; plus strand). Cytogenetic location: 13q13.1.
Variant type: Deletion.
Coding change: c.774_777del on transcript NM_000059.4 (MANE Select); coding-DNA positions 774 to 777, 4 bases deleted (AAGA; older notation c.774_777delAAGA).
Protein change: p.Arg259fs; shifts the reading frame from arginine 259.
Molecular consequence: frameshift variant.
Genome position (GRCh38, 1-based): chr13:32,331,011-32,331,014, AAGA deleted; deleting any 4 consecutive bases within chr13:32,331,010-32,331,014 gives the same sequence; the c. name uses the placement nearest the transcript's 3' end. VCF-style (leftmost placement, unchanged base first): chr13-32331009-CAAAG-C. GRCh37 (hg19) VCF-style: chr13-32905146-CAAAG-C.
Other names: c.774_777delAAGA (NM_000059.3); short protein forms R259fs.
Identifiers: ClinVar variation 441525 (VCV000441525.9), dbSNP rs1555281477, ClinGen allele CA658653665.
Genomic context (GRCh38, chr13:32,331,009, plus strand): 5'-GAAAGTCTGAAGAAAAATGATAGATTTATCGCTTCTGTGACAGACAGTGAAAACACAAAT[CAAAG>C]AGAAGCTGCAAGTCATGGTAAGTCCTCTGTTTAGTTGAACTACAGGTTTTTTTGTTGTTG-3'

ClinVar aggregate classification (germline): Pathogenic. Review status: reviewed by expert panel (3 of 4 stars). 3 submissions from 3 submitters: Pathogenic (1). 2 of the submissions do not count toward it. Last evaluated 2017-12-15.

Conditions:
Breast-ovarian cancer, familial, susceptibility to, 2 (BROVCA2). Also called: BRCA2 Hereditary Breast and Ovarian Cancer. Identifiers: Orphanet 145, MedGen C2675520, MONDO:0012933, OMIM 612555. Disease mechanism: loss of function.
Hereditary cancer-predisposing syndrome. Also called: Hereditary Cancer Syndrome; Hereditary neoplastic syndrome; Tumor predisposition; Neoplastic Syndromes, Hereditary. Identifiers: Orphanet 140162, MedGen C0027672, MeSH D009386, MONDO:0015356.
Hereditary breast ovarian cancer syndrome. Also called: Hereditary breast and ovarian cancer syndrome; BRCA1- and BRCA2-Associated Hereditary Breast and Ovarian Cancer; Hereditary breast and ovarian cancer syndrome (HBOC); Hereditary breast and/or ovarian cancer syndrome; Hereditary breast and ovarian cancer; Breast and ovarian cancer. Identifiers: Orphanet 145, MedGen C0677776, MeSH D061325, MONDO:0003582. Disease mechanism: loss of function.

Submissions (3):

Evidence-based Network for the Interpretation of Germline Mutant Alleles (ENIGMA)
Classification: Pathogenic for Breast-ovarian cancer, familial, susceptibility to, 2. Last evaluated: 2017-12-15. Review status: reviewed by expert panel. Criteria: ENIGMA BRCA1/2 Classification Criteria (2017-06-29). Collection method: curation. Allele origin: germline. Study: ENIGMA.
Comment: Variant allele predicted to encode a truncated non-functional protein.

Ambry Genetics
Classification: Pathogenic for Hereditary cancer-predisposing syndrome. Last evaluated: 2025-08-28. Review status: criteria provided, single submitter. Criteria: Ambry Variant Classification Scheme 2023. Collection method: clinical testing. Allele origin: germline. Not counted in ClinVar's aggregate classification.
Comment: The c.774_777delAAGA pathogenic mutation, located in coding exon 8 of the BRCA2 gene, results from a deletion of 4 nucleotides at nucleotide positions 774 to 777, causing a translational frameshift with a predicted alternate stop codon (p.R259Kfs*17). This variant is considered to be rare based on population cohorts in the Genome Aggregation Database (gnomAD). This alteration is expected to result in loss of function by premature protein truncation or nonsense-mediated mRNA decay. As such, this alteration is interpreted as a disease-causing mutation.

Labcorp Genetics (formerly Invitae), Labcorp
Classification: Pathogenic for Hereditary breast ovarian cancer syndrome. Last evaluated: 2023-06-15. Review status: criteria provided, single submitter. Criteria: Invitae Variant Classification Sherloc (09022015). Collection method: clinical testing. Allele origin: germline. Not counted in ClinVar's aggregate classification.
Comment: This variant is not present in population databases (gnomAD no frequency). For these reasons, this variant has been classified as Pathogenic. ClinVar contains an entry for this variant (Variation ID: 441525). This variant has not been reported in the literature in individuals affected with BRCA2-related conditions. This sequence change creates a premature translational stop signal (p.Arg259Lysfs*17) in the BRCA2 gene. It is expected to result in an absent or disrupted protein product. Loss-of-function variants in BRCA2 are known to be pathogenic (PMID: 20104584).

Literature cited by the submitters: PubMed 20104584 (cited by Labcorp Genetics (formerly Invitae), Labcorp).